The following is an entry in ClinVar:

NM_006941.4(SOX10):c.160_190dup (p.Asp64fs)

Genes: POLR2F (RNA polymerase II, I and III subunit F; plus strand), SOX10 (SRY-box transcription factor 10; minus strand). Cytogenetic location: 22q13.1.
Variant type: Duplication.
Coding change: c.160_190dup on transcript NM_006941.4 (MANE Select); coding-DNA positions 160 to 190, 31 bases duplicated.
Protein change: p.Asp64fs; shifts the reading frame from aspartic acid 64.
Molecular consequence: frameshift variant. On other transcripts: intron variant (3).
Genome position (GRCh38, 1-based): chr22:37,983,595-37,983,625, 31 bases duplicated; duplicating any 31 consecutive bases within chr22:37,983,595-37,983,626 gives the same sequence; the c. name uses the placement nearest the transcript's 3' end. GRCh37 (hg19): chr22:38,379,603-38,379,633.
Other names: c.*38+11286_*38+11316dup (NM_001363825.1); c.294-2558_294-2528dup (NM_001301130.2); c.293+16426_293+16456dup (NM_001301131.2); short protein forms D64fs.
Identifiers: ClinVar variation 4292485 (VCV004292485.1).

ClinVar aggregate classification (germline): Likely pathogenic (1 of 4 stars; one submission).

Conditions:
Waardenburg syndrome type 4C (WS4C). Also called: WAARDENBURG SYNDROME WITH HIRSCHSPRUNG DISEASE, TYPE 4C. Identifiers: Orphanet 897, MedGen C2750452, MONDO:0013202, OMIM 613266.

Submission:

3billion
Classification: Likely pathogenic for Waardenburg syndrome type 4C. Last evaluated: 2024-11-13. Review status: criteria provided, single submitter. Criteria: ACMG Guidelines, 2015. Collection method: clinical testing. Allele origin: germline. Affected: yes.
Comment: The variant is not observed in the gnomAD v4.1.0 dataset. Predicted Consequence/Location: Frameshift: predicted to result in a loss or disruption of normal protein function through nonsense-mediated decay (NMD) or protein truncation. Multiple pathogenic variants are reported downstream of the variant. Therefore, this variant is classified as Likely pathogenic according to the recommendation of ACMG/AMP guideline.